The following is an entry in ClinVar:

NM_022168.4(IFIH1):c.545T>G (p.Leu182Arg)

Gene: IFIH1 (interferon induced with helicase C domain 1; minus strand). Cytogenetic location: 2q24.2.
Variant type: single nucleotide variant.
Coding change: c.545T>G on transcript NM_022168.4 (MANE Select); coding-DNA position 545, T replaced by G.
Protein change: p.Leu182Arg; replaces leucine 182 with arginine.
Molecular consequence: missense variant.
Genome position (GRCh38, 1-based): chr2:162,310,842, A>C on the plus strand (T>G on the coding strand, the complement: IFIH1 is on the minus strand). VCF-style: chr2-162310842-A-C. GRCh37 (hg19) VCF-style: chr2-163167352-A-C.
Other names: short protein forms L182R.
Identifiers: ClinVar variation 3763008 (VCV003763008.2).
Genomic context (GRCh38, chr2:162,310,842, plus strand): 5'-CAATCAGAGCCTGTTAACTCTTGGACAAGTTCATTGTTTCCTGTTTGACGAAGAACATTC[A>C]GAAATGCAGAGAACCAGTTTTCTTTCTGCACAATCCTTTTTAGTAGCTCTCTTACACCTG-3'
Protein context (NP_071451.2, residues 172-192): VQKENWFSAF[Leu182Arg]NVLRQTGNNE

ClinVar aggregate classification (germline): Uncertain significance (1 of 4 stars; one submission).

Conditions:
Aicardi-Goutieres syndrome 7 (AGS7). Identifiers: Orphanet 51, MedGen C3888244, MONDO:0014367, OMIM 615846.
Singleton-Merten syndrome 1 (SGMRT1). Also called: Widened medullary cavities of bone, aortic calcification, abnormal dentition, and muscular weakness; Syndrome of widened medullary cavities of the metacarpals and phalanges, aortic calcification and abnormal dentition. Identifiers: Orphanet 85191, MedGen C4225427, MONDO:0024535, OMIM 182250.

Submission:

Labcorp Genetics (formerly Invitae), Labcorp
Classification: Uncertain significance for Aicardi-Goutieres syndrome 7; Singleton-Merten syndrome 1. Last evaluated: 2025-02-02. Review status: criteria provided, single submitter. Criteria: Invitae Variant Classification Sherloc (09022015). Collection method: clinical testing. Allele origin: germline.
Comment: This sequence change replaces leucine, which is neutral and non-polar, with arginine, which is basic and polar, at codon 182 of the IFIH1 protein (p.Leu182Arg). This variant is not present in population databases (gnomAD no frequency). This variant has not been reported in the literature in individuals affected with IFIH1-related conditions. Invitae Evidence Modeling of protein sequence and biophysical properties (such as structural, functional, and spatial information, amino acid conservation, physicochemical variation, residue mobility, and thermodynamic stability) has been performed for this missense variant. However, the output from this modeling did not meet the statistical confidence thresholds required to predict the impact of this variant on IFIH1 protein function. In summary, the available evidence is currently insufficient to determine the role of this variant in disease. Therefore, it has been classified as a Variant of Uncertain Significance.